The following is an entry in ClinVar:

NM_000303.3(PMM2):c.255+5G>T

Gene: PMM2 (phosphomannomutase 2; plus strand). Cytogenetic location: 16p13.2.
Variant type: single nucleotide variant.
Coding change: c.255+5G>T on transcript NM_000303.3 (MANE Select); 5 bases into the intron after coding-DNA position 255, G replaced by T.
Molecular consequence: intron variant.
Genome position (GRCh38, 1-based): chr16:8,804,848, G>T. VCF-style: chr16-8804848-G-T. GRCh37 (hg19) VCF-style: chr16-8898705-G-T.
Identifiers: ClinVar variation 1381633 (VCV001381633.4), dbSNP rs370480677, ClinGen allele CA7893968.

ClinVar aggregate classification (germline): Conflicting classifications of pathogenicity. Review status: criteria provided, conflicting classifications (1 of 4 stars). 2 submissions from 2 submitters: Likely pathogenic (1); Uncertain significance (1). Last evaluated 2026-03-18.

Conditions:
PMM2-congenital disorder of glycosylation. Also called: PMM2-CDG; CARBOHYDRATE-DEFICIENT GLYCOPROTEIN SYNDROME, TYPE Ia; Congenital disorder of glycosylation, type Ia; CDG Ia; JAEKEN SYNDROME; PHOSPHOMANNOMUTASE 2 DEFICIENCY. Identifiers: Orphanet 79318, MedGen C0349653, MONDO:0008907, OMIM 212065.

Allele frequency attached by ClinVar (database versions not stated): gnomAD 0.00001; ESP Exome Variant Server 0.00008; TOPMed 0.00001; gnomAD exomes below 0.00001; ExAC 0.00001.
gnomAD v4.1: 30 of 1,578,146 alleles (0.0019%); highest among the groups gnomAD compares: Non-Finnish European, 0.0025%; no homozygotes.

Submissions (2):

GeneDx
Classification: Likely pathogenic. Last evaluated: 2026-03-18. Review status: criteria provided, single submitter. Criteria: GeneDx Variant Classification Process June 2021. Collection method: clinical testing. Allele origin: germline.
Comment: Intronic variant directly or indirectly altering the +5 splice site in a gene for which loss of function is a known mechanism of disease, and splice predictors support a deleterious effect; Not observed at significant frequency in large population cohorts (gnomAD); Has not been previously published as pathogenic or benign to our knowledge

Labcorp Genetics (formerly Invitae), Labcorp
Classification: Uncertain significance for PMM2-congenital disorder of glycosylation. Last evaluated: 2021-12-19. Review status: criteria provided, single submitter. Criteria: Invitae Variant Classification Sherloc (09022015). Collection method: clinical testing. Allele origin: germline.
Comment: This sequence change falls in intron 3 of the PMM2 gene. It does not directly change the encoded amino acid sequence of the PMM2 protein. It affects a nucleotide within the consensus splice site. This variant is present in population databases (rs370480677, gnomAD 0.008%). This variant has not been reported in the literature in individuals affected with PMM2-related conditions. Variants that disrupt the consensus splice site are a relatively common cause of aberrant splicing (PMID: 17576681, 9536098). Algorithms developed to predict the effect of sequence changes on RNA splicing suggest that this variant may disrupt the consensus splice site. In summary, the available evidence is currently insufficient to determine the role of this variant in disease. Therefore, it has been classified as a Variant of Uncertain Significance.

Literature cited by the submitters: PubMed 17576681 (cited by Labcorp Genetics (formerly Invitae), Labcorp); PubMed 9536098 (cited by Labcorp Genetics (formerly Invitae), Labcorp).